The following is an entry in ClinVar:

ClinVar aggregate classification (germline): Uncertain significance (1 of 4 stars; one submission).

Conditions:
Duchenne muscular dystrophy (DMD). Also called: MUSCULAR DYSTROPHY, PSEUDOHYPERTROPHIC PROGRESSIVE, DUCHENNE TYPE; Duchenne Muscular Dystrophy (DMD). Identifiers: Orphanet 98896, MedGen C0013264, MONDO:0010679, OMIM 310200.

Submission:

Labcorp Genetics (formerly Invitae), Labcorp
Classification: Uncertain significance for Duchenne muscular dystrophy. Last evaluated: 2024-09-17. Review status: criteria provided, single submitter. Criteria: Invitae Variant Classification Sherloc (09022015). Collection method: clinical testing. Allele origin: germline.
Comment: This sequence change replaces aspartic acid, which is acidic and polar, with tyrosine, which is neutral and polar, at codon 3404 of the DMD protein (p.Asp3404Tyr). This variant is not present in population databases (gnomAD no frequency). This variant has not been reported in the literature in individuals affected with DMD-related conditions. Invitae Evidence Modeling of protein sequence and biophysical properties (such as structural, functional, and spatial information, amino acid conservation, physicochemical variation, residue mobility, and thermodynamic stability) has been performed for this missense variant. However, the output from this modeling did not meet the statistical confidence thresholds required to predict the impact of this variant on DMD protein function. In summary, the available evidence is currently insufficient to determine the role of this variant in disease. Therefore, it has been classified as a Variant of Uncertain Significance.

NM_004006.3(DMD):c.10210G>T (p.Asp3404Tyr)

Gene: DMD (dystrophin; minus strand). Cytogenetic location: Xp21.2.
Variant type: single nucleotide variant.
Coding change: c.10210G>T on transcript NM_004006.3 (MANE Select); coding-DNA position 10210, G replaced by T.
Protein change: p.Asp3404Tyr; replaces aspartic acid 3404 with tyrosine.
Molecular consequence: missense variant.
Genome position (GRCh38, 1-based): chrX:31,178,682, C>A on the plus strand (G>T on the coding strand, the complement: DMD is on the minus strand). VCF-style: chrX-31178682-C-A. GRCh37 (hg19) VCF-style: chrX-31196799-C-A.
Other names: c.10186G>T, p.Asp3396Tyr (NM_000109.4); c.10198G>T, p.Asp3400Tyr (NM_004009.3); c.9841G>T, p.Asp3281Tyr (NM_004010.3); c.6187G>T, p.Asp2063Tyr (NM_004011.4); c.6178G>T, p.Asp2060Tyr (NM_004012.4); c.2830G>T, p.Asp944Tyr (NM_004013.3, NM_004020.4, NM_004021.3 and 2 more transcripts); c.2023G>T, p.Asp675Tyr (NM_004014.3); c.1006G>T, p.Asp336Tyr (NM_004015.3, NM_004016.3, NM_004017.3 and 2 more transcripts); short protein forms D336Y, D944Y, D2063Y, D3404Y, D2060Y, D3281Y, D3396Y, D3400Y.
Identifiers: ClinVar variation 3713757 (VCV003713757.2).